The following is an entry in ClinVar:

ClinVar aggregate classification (germline): Pathogenic (1 of 4 stars; one submission).

Conditions:
Duane-radial ray syndrome (DRRS). Also called: DR SYNDROME; DUANE ANOMALY WITH RADIAL RAY ABNORMALITIES AND DEAFNESS; ACRORENOOCULAR SYNDROME; Duane-Radial Ray Syndrome (DRRS) / Okihiro Syndrome; Duane-Radial Ray Syndrome/Okihiro Syndrome; Okihiro Syndrome. Identifiers: Orphanet 93293, Orphanet 959, MedGen C1623209, MONDO:0011812, OMIM 607323. Disease mechanism: gain of function.

Submission:

Labcorp Genetics (formerly Invitae), Labcorp
Classification: Pathogenic for Duane-radial ray syndrome. Last evaluated: 2017-01-04. Review status: criteria provided, single submitter. Criteria: Invitae Variant Classification Sherloc (09022015). Collection method: clinical testing. Allele origin: germline.
Comment: For these reasons, this variant has been classified as Pathogenic. While this particular variant has not been reported in the literature, truncating variants in SALL4 are known to be pathogenic (PMID: 12789647). This sequence change deletes 1 nucleotide from exon 2 of the SALL4 mRNA (c.563delG), causing a frameshift at codon 188. This creates a premature translational stop signal (p.Gly188Alafs*6) and is expected to result in an absent or disrupted protein product.

Literature cited by the submitters: PubMed 12789647.

NM_020436.5(SALL4):c.563del (p.Gly188fs)

Gene: SALL4 (spalt like transcription factor 4; minus strand). Cytogenetic location: 20q13.2.
Variant type: Deletion.
Coding change: c.563del on transcript NM_020436.5 (MANE Select); coding-DNA position 563, one base deleted (G; older notation c.563delG).
Protein change: p.Gly188fs; shifts the reading frame from glycine 188.
Molecular consequence: frameshift variant.
Genome position (GRCh38, 1-based): chr20:51,791,920, C deleted on the plus strand (G on the coding strand, the reverse complement: SALL4 is on the minus strand); the first of 4 consecutive C bases (chr20:51,791,920-51,791,923); deleting any one gives the same sequence. VCF-style (leftmost placement, unchanged base first): chr20-51791919-GC-G. GRCh37 (hg19) VCF-style: chr20-50408458-GC-G.
Other names: c.563del (LRG_675t1); c.563del, p.Gly188fs (NM_001318031.2); short protein forms G188fs.
Identifiers: ClinVar variation 463530 (VCV000463530.8), dbSNP rs1555850961, ClinGen allele CA658658877.